The following is an entry in ClinVar:

ClinVar aggregate classification (germline): Uncertain significance (1 of 4 stars; one submission).

Submission:

GeneDx
Classification: Uncertain significance. Last evaluated: 2019-03-07. Review status: criteria provided, single submitter. Criteria: GeneDx Variant Classification Process June 2021. Collection method: clinical testing. Allele origin: germline. Affected: yes.
Comment: Not observed in large population cohorts (Lek et al., 2016); In silico analysis, which includes protein predictors and evolutionary conservation, supports a deleterious effect; Has not been previously published as pathogenic or benign to our knowledge

NM_004247.4(EFTUD2):c.633C>A (p.Phe211Leu)

Gene: EFTUD2 (elongation factor Tu GTP binding domain containing 2; minus strand). Cytogenetic location: 17q21.31.
Variant type: single nucleotide variant.
Coding change: c.633C>A on transcript NM_004247.4 (MANE Select); coding-DNA position 633, C replaced by A.
Protein change: p.Phe211Leu; replaces phenylalanine 211 with leucine.
Molecular consequence: missense variant.
Genome position (GRCh38, 1-based): chr17:44,879,625, G>T on the plus strand (C>A on the coding strand, the complement: EFTUD2 is on the minus strand). VCF-style: chr17-44879625-G-T. GRCh37 (hg19) VCF-style: chr17-42956993-G-T.
Other names: c.528C>A, p.Phe176Leu (NM_001142605.2); c.633C>A, p.Phe211Leu (NM_001258353.2); c.603C>A, p.Phe201Leu (NM_001258354.2); short protein forms F176L, F201L, F211L.
Identifiers: ClinVar variation 1302455 (VCV001302455.2), dbSNP rs2145532803, ClinGen allele CA399822170.